The following is an entry in ClinVar:

NM_003900.5(SQSTM1):c.1168G>A (p.Ala390Thr)

Gene: SQSTM1 (sequestosome 1; plus strand). Cytogenetic location: 5q35.3.
Variant type: single nucleotide variant.
Coding change: c.1168G>A on transcript NM_003900.5 (MANE Select); coding-DNA position 1168, G replaced by A.
Protein change: p.Ala390Thr; replaces alanine 390 with threonine.
Molecular consequence: missense variant.
Genome position (GRCh38, 1-based): chr5:179,836,438, G>A. VCF-style: chr5-179836438-G-A. GRCh37 (hg19) VCF-style: chr5-179263438-G-A.
Other names: c.916G>A, p.Ala306Thr (NM_001142298.2, NM_001142299.2); short protein forms A306T, A390T.
Identifiers: ClinVar variation 1513608 (VCV001513608.6), dbSNP rs2113524011, ClinGen allele CA362453580.

ClinVar aggregate classification (germline): Uncertain significance (1 of 4 stars; one submission).

Conditions:
Frontotemporal dementia and/or amyotrophic lateral sclerosis 1 (FTDALS1). Also called: Frontotemporal dementia with motor neuron disease 1; C9orf72 Frontotemporal Dementia and/or Amyotrophic Lateral Sclerosis. Identifiers: Orphanet 275872, MedGen C5779877, MONDO:0007105, OMIM 105550.
Paget disease of bone 2, early-onset (PDB2). Also called: Paget disease of bone 2. Identifiers: MedGen C4085251, MONDO:0011183, OMIM 602080.

Submission:

Labcorp Genetics (formerly Invitae), Labcorp
Classification: Uncertain significance for Paget disease of bone 2, early-onset; Frontotemporal dementia and/or amyotrophic lateral sclerosis 1. Last evaluated: 2021-08-26. Review status: criteria provided, single submitter. Criteria: Invitae Variant Classification Sherloc (09022015). Collection method: clinical testing. Allele origin: germline.
Comment: In summary, the available evidence is currently insufficient to determine the role of this variant in disease. Therefore, it has been classified as a Variant of Uncertain Significance. Algorithms developed to predict the effect of missense changes on protein structure and function are either unavailable or do not agree on the potential impact of this missense change (SIFT: "Tolerated"; PolyPhen-2: "Probably Damaging"; Align-GVGD: "Class C0"). This variant has not been reported in the literature in individuals affected with SQSTM1-related conditions. This variant is not present in population databases (ExAC no frequency). This sequence change replaces alanine with threonine at codon 390 of the SQSTM1 protein (p.Ala390Thr). The alanine residue is moderately conserved and there is a small physicochemical difference between alanine and threonine.